The following is an entry in ClinVar:

ClinVar aggregate classification (germline): Uncertain significance (1 of 4 stars; one submission).

gnomAD v4.1: 1 of 1,613,906 alleles (0.000062%); highest among the groups gnomAD compares: Non-Finnish European, 0.000085%; no homozygotes.

Submission:

Labcorp Genetics (formerly Invitae), Labcorp
Classification: Uncertain significance. Last evaluated: 2025-12-27. Review status: criteria provided, single submitter. Criteria: Invitae Variant Classification Sherloc (09022015). Collection method: clinical testing. Allele origin: germline.
Comment: This sequence change replaces glycine, which is neutral and non-polar, with valine, which is neutral and non-polar, at codon 2029 of the POLE protein (p.Gly2029Val). This variant is not present in population databases (gnomAD no frequency). This variant has not been reported in the literature in individuals affected with POLE-related conditions. An algorithm developed to predict the effect of missense changes on protein structure and function (PolyPhen-2) suggests that this variant is likely to be tolerated. In summary, the available evidence is currently insufficient to determine the role of this variant in disease. Therefore, it has been classified as a Variant of Uncertain Significance.

NM_006231.4(POLE):c.6086G>T (p.Gly2029Val)

Gene: POLE (DNA polymerase epsilon, catalytic subunit; minus strand). Cytogenetic location: 12q24.33.
Variant type: single nucleotide variant.
Coding change: c.6086G>T on transcript NM_006231.4 (MANE Select); coding-DNA position 6086, G replaced by T.
Protein change: p.Gly2029Val; replaces glycine 2029 with valine.
Molecular consequence: missense variant.
Genome position (GRCh38, 1-based): chr12:132,632,714, C>A on the plus strand (G>T on the coding strand, the complement: POLE is on the minus strand). VCF-style: chr12-132632714-C-A. GRCh37 (hg19) VCF-style: chr12-133209300-C-A.
Other names: short protein forms G2029V.
Identifiers: ClinVar variation 4734080 (VCV004734080.1).